The following is an entry in ClinVar:

NM_006939.4(SOS2):c.2000C>T (p.Pro667Leu)

Gene: SOS2 (SOS Ras/Rho guanine nucleotide exchange factor 2; minus strand). Cytogenetic location: 14q21.3.
Variant type: single nucleotide variant.
Coding change: c.2000C>T on transcript NM_006939.4 (MANE Select); coding-DNA position 2000, C replaced by T.
Protein change: p.Pro667Leu; replaces proline 667 with leucine.
Molecular consequence: missense variant.
Genome position (GRCh38, 1-based): chr14:50,157,056, G>A on the plus strand (C>T on the coding strand, the complement: SOS2 is on the minus strand). VCF-style: chr14-50157056-G-A. GRCh37 (hg19) VCF-style: chr14-50623774-G-A.
Other names: c.1901C>T, p.Pro634Leu (NM_001411020.1); short protein forms P634L, P667L.
Identifiers: ClinVar variation 2694485 (VCV002694485.3), dbSNP rs2502974701, ClinGen allele CA389644461.
Genomic context (GRCh38, chr14:50,157,056, plus strand): 5'-AACCTAAGTTGTACTGGTTGGACATATTCCTTGCGAAATCTTTTAAGGTCTGCACTGATT[G>A]GCTGCTCGCCTTTCTCTATTGCCAATTTGTCTGCGTCAGTAGGTTCTGGCTCTGGAATTT-3'
Protein context (NP_008870.2, residues 657-677): DKLAIEKGEQ[Pro667Leu]ISADLKRFRK

ClinVar aggregate classification (germline): Uncertain significance (1 of 4 stars; one submission).

Conditions:
Noonan syndrome 9 (NS9). Identifiers: Orphanet 648, MedGen C4225282, MONDO:0014691, OMIM 616559.

Allele frequency attached by ClinVar (database versions not stated): gnomAD exomes below 0.00001.
gnomAD v4.1: 1 of 1,612,574 alleles (0.000062%); highest among the groups gnomAD compares: Non-Finnish European, 0.000085%; no homozygotes.

Submission:

Labcorp Genetics (formerly Invitae), Labcorp
Classification: Uncertain significance for Noonan syndrome 9. Last evaluated: 2023-11-09. Review status: criteria provided, single submitter. Criteria: Invitae Variant Classification Sherloc (09022015). Collection method: clinical testing. Allele origin: germline.
Comment: This sequence change replaces proline, which is neutral and non-polar, with leucine, which is neutral and non-polar, at codon 667 of the SOS2 protein (p.Pro667Leu). This variant is not present in population databases (gnomAD no frequency). This variant has not been reported in the literature in individuals affected with SOS2-related conditions. Advanced modeling of protein sequence and biophysical properties (such as structural, functional, and spatial information, amino acid conservation, physicochemical variation, residue mobility, and thermodynamic stability) performed at Invitae indicates that this missense variant is not expected to disrupt SOS2 protein function with a negative predictive value of 80%. In summary, the available evidence is currently insufficient to determine the role of this variant in disease. Therefore, it has been classified as a Variant of Uncertain Significance.